The following is an entry in ClinVar:

NM_020791.4(TAOK1):c.943C>T (p.Leu315Phe)

Gene: TAOK1 (TAO kinase 1; plus strand). Cytogenetic location: 17q11.2.
Variant type: single nucleotide variant.
Coding change: c.943C>T on transcript NM_020791.4 (MANE Select); coding-DNA position 943, C replaced by T.
Protein change: p.Leu315Phe; replaces leucine 315 with phenylalanine.
Molecular consequence: missense variant.
Genome position (GRCh38, 1-based): chr17:29,495,671, C>T. VCF-style: chr17-29495671-C-T. GRCh37 (hg19) VCF-style: chr17-27822689-C-T.
Other names: c.943C>T, p.Leu315Phe (NM_025142.1); short protein forms L315F.
Identifiers: ClinVar variation 4879646 (VCV004879646.1).

ClinVar aggregate classification (germline): Likely pathogenic (1 of 4 stars; one submission).

Conditions:
Developmental delay with or without intellectual impairment or behavioral abnormalities. Identifiers: MedGen C5562004, MONDO:0859199, OMIM 619575.

Submission:

Victorian Clinical Genetics Services, Murdoch Childrens Research Institute
Classification: Likely pathogenic for Developmental delay with or without intellectual impairment or behavioral abnormalities. Last evaluated: 2026-05-04. Review status: criteria provided, single submitter. Criteria: ACMG Guidelines, 2015. Collection method: clinical testing. Allele origin: germline. Affected: yes.
Comment: This variant is classified as Likely pathogenic. Evidence in support of pathogenic classification: Variant is absent from gnomAD (v2, v3 and v4); This variant has moderate previous evidence of pathogenicity in unrelated individuals. This variant has been reported in the literature as de novo in an individual with a neurodevelopmental disorder (PMID: 33565190). Additional information: Variant is predicted to result in a missense amino acid change from Leu to Phe; This variant is heterozygous; This gene is associated with autosomal dominant disease; Alternative amino acid change(s) at the same position are present in gnomAD (highest allele count: v4: 1 heterozygote(s), 0 homozygote(s)); No published evidence of segregation with disease has been identified for this variant; Functional evidence for this variant is inconclusive. In vitro analysis shows this variant does not alter the protein expression or neuron morphology, however in vivo studies suggest this variant results in a neuronal migration deficit when overexpressed (PMID: 33565190); No comparable missense variants have previous evidence for pathogenicity; Variant is located in the annotated substrate binding domain (PMID: 33565190); Missense variant with inconclusive in silico prediction and/or uninformative conservation; Loss of function is a known mechanism of disease in this gene and is associated with developmental delay with or without intellectual impairment or behavioural abnormalities (MIM#619575); Variants in this gene are known to have variable expressivity. There have been reports of affected individuals inheriting variants from mildly affected parents (OMIM).

Literature cited by the submitters: PubMed 33565190.